The following is an entry in ClinVar:

NM_001673.5(ASNS):c.1578C>A (p.Tyr526Ter)

Genes: ASNS (asparagine synthetase (glutamine-hydrolyzing); minus strand), CZ1P-ASNS (CZ1P-ASNS readthrough; minus strand). Cytogenetic location: 7q21.3.
Variant type: single nucleotide variant.
Coding change: c.1578C>A on transcript NM_001673.5 (MANE Select); coding-DNA position 1578, C replaced by A.
Protein change: p.Tyr526Ter; replaces tyrosine 526 with a stop codon.
Molecular consequence: nonsense. On other transcripts: non-coding transcript variant (1).
Genome position (GRCh38, 1-based): chr7:97,852,367, G>T on the plus strand (C>A on the coding strand, the complement: ASNS is on the minus strand). VCF-style: chr7-97852367-G-T. GRCh37 (hg19) VCF-style: chr7-97481679-G-T.
Other names: c.1515C>A, p.Tyr505Ter (NM_001178075.2); c.1329C>A, p.Tyr443Ter (NM_001178076.2, NM_001178077.1); c.1578C>A, p.Tyr526Ter (NM_001352496.2, NM_133436.3, NM_183356.4); short protein forms Y505*, Y443*, Y526*.
Identifiers: ClinVar variation 1878317 (VCV001878317.1), dbSNP rs201209327, ClinGen allele CA368264169.

ClinVar aggregate classification (germline): Likely pathogenic (1 of 4 stars; one submission).

Conditions:
Congenital microcephaly - severe encephalopathy - progressive cerebral atrophy syndrome. Also called: ASNS DEFICIENCY; Asparagine synthetase deficiency. Identifiers: Orphanet 391376, MedGen C3809971, MONDO:0014258, OMIM 615574.

Submission:

Women's Health and Genetics/Laboratory Corporation of America, LabCorp
Classification: Likely pathogenic for Congenital microcephaly - severe encephalopathy - progressive cerebral atrophy syndrome. Last evaluated: 2022-12-15. Review status: criteria provided, single submitter. Criteria: LabCorp Variant Classification Summary - May 2015. Collection method: clinical testing. Allele origin: germline.
Comment: Variant summary: ASNS c.1578C>A (p.Tyr526X) results in a premature termination codon, predicted to cause a truncation of the encoded protein or absence of the protein due to nonsense mediated decay, which are commonly known mechanisms for disease. Truncations downstream of this position have been classified as pathogenic in ClinVar and associated with Asparagine synthetase deficiency in HGMD. The variant was absent in 251448 control chromosomes. To our knowledge, no occurrence of c.1578C>A in individuals affected with Asparagine Synthetase Deficiency and no experimental evidence demonstrating its impact on protein function have been reported. No clinical diagnostic laboratories have submitted clinical-significance assessments for this variant to ClinVar after 2014. Based on the evidence outlined above, the variant was classified as likely pathogenic.